The following is an entry in ClinVar:

NM_001267550.2(TTN):c.53346dup (p.Leu17783fs)

Genes: TTN-AS1 (TTN antisense RNA 1; plus strand), TTN (titin; minus strand), LOC126806425 (BRD4-independent group 4 enhancer GRCh37_chr2:179471933-179473132; plus strand). Cytogenetic location: 2q31.2.
Variant type: Duplication.
Coding change: c.53346dup on transcript NM_001267550.2 (MANE Select); coding-DNA position 53346, one base duplicated (A; older notation c.53346dupA).
Protein change: p.Leu17783fs; shifts the reading frame from leucine 17783.
Molecular consequence: frameshift variant.
Genome position (GRCh38, 1-based): chr2:178,607,256, T duplicated on the plus strand (A on the coding strand, the reverse complement: TTN is on the minus strand). VCF-style (leftmost placement, unchanged base first): chr2-178607255-G-GT. GRCh37 (hg19) VCF-style: chr2-179471982-G-GT.
Other names: c.48423dup, p.Leu16142fs (NM_001256850.1); c.26151dup, p.Leu8718fs (NM_003319.4); c.45642dup, p.Leu15215fs (NM_133378.4); c.26526dup, p.Leu8843fs (NM_133432.3); c.26727dup, p.Leu8910fs (NM_133437.4); short protein forms L15215fs, L17783fs, L8718fs, L8843fs, L8910fs, L16142fs.
Identifiers: ClinVar variation 4785418 (VCV004785418.1).

ClinVar aggregate classification (germline): Likely pathogenic (1 of 4 stars; one submission).

Conditions:
Autosomal recessive limb-girdle muscular dystrophy type 2J (LGMDR10). Also called: Limb-girdle muscular dystrophy, type 2J; MUSCULAR DYSTROPHY, LIMB-GIRDLE, AUTOSOMAL RECESSIVE 10. Identifiers: Orphanet 140922, MedGen C1837342, MONDO:0012127, OMIM 608807.
Dilated cardiomyopathy 1G (CMD1G). Identifiers: Orphanet 154, MedGen C1858763, MONDO:0011400, OMIM 604145.

Submission:

Labcorp Genetics (formerly Invitae), Labcorp
Classification: Likely pathogenic for Dilated cardiomyopathy 1G; Autosomal recessive limb-girdle muscular dystrophy type 2J. Last evaluated: 2025-07-09. Review status: criteria provided, single submitter. Criteria: Invitae Variant Classification Sherloc (09022015). Collection method: clinical testing. Allele origin: germline.
Comment: This sequence change creates a premature translational stop signal (p.Leu17783Thrfs*2) in the TTN gene. While this is not anticipated to result in nonsense mediated decay, it is expected to create a truncated TTN protein. This variant is not present in population databases (gnomAD no frequency). This variant has not been reported in the literature in individuals affected with TTN-related conditions. This variant is located in the A band of TTN (PMID: 25589632). Truncating variants in this region are significantly overrepresented in patients affected with dilated cardiomyopathy (PMID: 25589632). Truncating variants in this region have also been reported in individuals affected with autosomal recessive centronuclear myopathy (PMID: 23975875). In summary, the currently available evidence indicates that the variant is pathogenic, but additional data are needed to prove that conclusively. Therefore, this variant has been classified as Likely Pathogenic.

Literature cited by the submitters: PubMed 25589632; PubMed 23975875.